The following is an entry in ClinVar:

NM_130797.4(DPP6):c.1711A>C (p.Lys571Gln)

Gene: DPP6 (dipeptidyl peptidase like 6; plus strand). Cytogenetic location: 7q36.2.
Variant type: single nucleotide variant.
Coding change: c.1711A>C on transcript NM_130797.4 (MANE Select); coding-DNA position 1711, A replaced by C.
Protein change: p.Lys571Gln; replaces lysine 571 with glutamine.
Molecular consequence: missense variant. On other transcripts: non-coding transcript variant (2).
Genome position (GRCh38, 1-based): chr7:154,853,824, A>C. VCF-style: chr7-154853824-A-C. GRCh37 (hg19) VCF-style: chr7-154645534-A-C.
Other names: c.1525A>C (NM_001936.4); c.1519A>C, p.Lys507Gln (NM_001039350.3); c.1390A>C, p.Lys464Gln (NM_001290252.2); c.1528A>C, p.Lys510Gln (NM_001364497.2, NM_001364498.2, NM_001364499.2 and 1 more transcripts); c.1525A>C, p.Lys509Gln (NM_001936.5); short protein forms K507Q, K510Q, K571Q, K464Q, K509Q.
Identifiers: ClinVar variation 218491 (VCV000218491.34), dbSNP rs140460765, ClinGen allele CA249081.
Genomic context (GRCh38, chr7:154,853,824, plus strand): 5'-TCTCTACCCAACACAGGTCCTGGTGTTCCTATGGTGACGGTGCACAACACAACAGATAAG[A>C]AAAGTAAGTGCTCTTTTTTTTCCTTAAATCTTCCTGAGACTCAGGAGAAAGGAAGCAAAA-3'
Protein context (NP_570629.2, residues 561-581): MVTVHNTTDK[Lys571Gln]KMFDLETNEH

ClinVar aggregate classification (germline): Conflicting classifications of pathogenicity. Review status: criteria provided, conflicting classifications (1 of 4 stars). 7 submissions from 7 submitters: Uncertain significance (2); Benign (1). 4 of the submissions do not count toward it. Last evaluated 2025-07-01.

Conditions:
DPP6-related disorder. Also called: DPP6-related condition.

Allele frequency attached by ClinVar (database versions not stated): gnomAD exomes 0.00075 and 0.00114; ExAC 0.00104; ESP Exome Variant Server 0.00134; gnomAD 0.00160 and 0.00168; TOPMed 0.00226; 1000 Genomes Project 0.00260; 1000 Genomes Project 30x 0.00297.
gnomAD v4.1: 1,457 of 1,613,868 alleles (0.09%); highest among the groups gnomAD compares: Middle Eastern, 0.63%; 8 homozygotes.

Submissions (7):

CeGaT Center for Human Genetics Tuebingen
Classification: Benign. Last evaluated: 2025-07-01. Review status: criteria provided, single submitter. Criteria: CeGaT Center For Human Genetics Tuebingen Variant Classification Criteria Version 2. Collection method: clinical testing. Allele origin: germline. Affected: yes. Observed: 7 variant alleles.
Comment: DPP6: BP4, BS1, BS2

Genomic Diagnostic Laboratory, Division of Genomic Diagnostics, Children's Hospital of Philadelphia
Classification: Uncertain significance. Last evaluated: 2015-10-12. Review status: criteria provided, single submitter. Criteria: DGD Variant Analysis Guidelines. Collection method: clinical testing. Allele origin: unknown.

Breakthrough Genomics
Classification: Uncertain significance. Review status: criteria provided, single submitter. Criteria: ACMG Guidelines, 2015. Collection method: not provided. Allele origin: germline. Inheritance: Autosomal recessive inheritance. Affected: yes.

PreventionGenetics, part of Exact Sciences
Classification: Likely benign for DPP6-related condition. Last evaluated: 2022-01-16. Review status: no assertion criteria provided. Collection method: clinical testing. Allele origin: germline. Not counted in ClinVar's aggregate classification.
Comment: This variant is classified as likely benign based on ACMG/AMP sequence variant interpretation guidelines (Richards et al. 2015 PMID: 25741868, with internal and published modifications).

Clinical Genetics DNA and cytogenetics Diagnostics Lab, Erasmus MC, Erasmus Medical Center
Classification: Likely benign. Review status: no assertion criteria provided. Collection method: clinical testing. Allele origin: germline. Affected: yes. Study: VKGL Data-share Consensus. Not counted in ClinVar's aggregate classification.

Diagnostic Laboratory, Department of Genetics, University Medical Center Groningen
Classification: Likely benign. Review status: no assertion criteria provided. Collection method: clinical testing. Allele origin: germline. Affected: yes. Study: VKGL Data-share Consensus. Not counted in ClinVar's aggregate classification.

Joint Genome Diagnostic Labs from Nijmegen and Maastricht, Radboudumc and MUMC+
Classification: Benign. Review status: no assertion criteria provided. Collection method: clinical testing. Allele origin: germline. Affected: yes. Study: VKGL Data-share Consensus. Not counted in ClinVar's aggregate classification.